The following is an entry in ClinVar:

ClinVar aggregate classification (germline): Likely pathogenic (1 of 4 stars; one submission).

Conditions:
Autism spectrum disorder due to AUTS2 deficiency (MRD26). Also called: INTELLECTUAL DEVELOPMENTAL DISORDER, AUTOSOMAL DOMINANT 26. Identifiers: Orphanet 352490, MedGen C4014435, MONDO:0014361, OMIM 615834.

Submission:

Dasa
Classification: Likely pathogenic for Autism spectrum disorder due to AUTS2 deficiency. Last evaluated: 2025-06-06. Review status: criteria provided, single submitter. Criteria: DASA Assertion Criteria. Collection method: clinical testing. Allele origin: germline.
Comment: NM_015570.4(AUTS2):c.2277del (p.Asn759Lysfs*52) is a frameshift variant in AUTS2 predicted to alter the reading frame and introduce a premature termination codon and is predicted to result in an absent or altered protein product. Loss of function is an established disease mechanism for AUTS2 (PMID: 22872102; PMID: 23332918; PMID: 23650183). Also, this variant is absent from population databases. Based on the currently available evidence, this variant is classified as likely pathogenic.

Literature cited by the submitters: PubMed 22872102; PubMed 23332918; PubMed 23650183.

NM_015570.4(AUTS2):c.2277del (p.Asn759fs)

Gene: AUTS2 (activator of transcription and developmental regulator AUTS2; plus strand). Cytogenetic location: 7q11.22.
Variant type: Deletion.
Coding change: c.2277del on transcript NM_015570.4 (MANE Select); coding-DNA position 2277, one base deleted (T; older notation c.2277delT).
Protein change: p.Asn759fs; shifts the reading frame from asparagine 759.
Molecular consequence: frameshift variant.
Genome position (GRCh38, 1-based): chr7:70,786,007, T deleted. VCF-style (leftmost placement, unchanged base first): chr7-70786006-AT-A. GRCh37 (hg19) VCF-style: chr7-70250992-AT-A.
Other names: c.2205del, p.Asn735fs (NM_001127231.3); short protein forms N735fs, N759fs.
Identifiers: ClinVar variation 4884262 (VCV004884262.2).